The following is an entry in ClinVar:

NM_006231.4(POLE):c.5888A>T (p.Glu1963Val)

Gene: POLE (DNA polymerase epsilon, catalytic subunit; minus strand). Cytogenetic location: 12q24.33.
Variant type: single nucleotide variant.
Coding change: c.5888A>T on transcript NM_006231.4 (MANE Select); coding-DNA position 5888, A replaced by T.
Protein change: p.Glu1963Val; replaces glutamic acid 1963 with valine.
Molecular consequence: missense variant.
Genome position (GRCh38, 1-based): chr12:132,634,302, T>A on the plus strand (A>T on the coding strand, the complement: POLE is on the minus strand). VCF-style: chr12-132634302-T-A. GRCh37 (hg19) VCF-style: chr12-133210888-T-A.
Other names: short protein forms E1963V.
Identifiers: ClinVar variation 3422162 (VCV003422162.1).

ClinVar aggregate classification (germline): Uncertain significance (1 of 4 stars; one submission).

Conditions:
Hereditary cancer-predisposing syndrome. Also called: Neoplastic Syndromes, Hereditary; Tumor predisposition; Hereditary Cancer Syndrome; Hereditary neoplastic syndrome. Identifiers: Orphanet 140162, MedGen C0027672, MeSH D009386, MONDO:0015356.

Submission:

Ambry Genetics
Classification: Uncertain significance for Hereditary cancer-predisposing syndrome. Last evaluated: 2024-09-16. Review status: criteria provided, single submitter. Criteria: Ambry Variant Classification Scheme 2023. Collection method: clinical testing. Allele origin: germline.
Comment: The p.E1963V variant (also known as c.5888A>T), located in coding exon 43 of the POLE gene, results from an A to T substitution at nucleotide position 5888. The glutamic acid at codon 1963 is replaced by valine, an amino acid with dissimilar properties. This amino acid position is conserved. In addition, this alteration is predicted to be tolerated by in silico analysis. Based on the available evidence, the clinical significance of this variant remains unclear.